The following is an entry in ClinVar:

NM_002075.4(GNB3):c.916+1G>A

Genes: CDCA3 (cell division cycle associated 3; minus strand), GNB3 (G protein subunit beta 3; plus strand). Cytogenetic location: 12p13.31.
Variant type: single nucleotide variant.
Coding change: c.916+1G>A on transcript NM_002075.4 (MANE Select); the canonical splice donor site of the intron after coding-DNA position 916, G replaced by A.
Molecular consequence: splice donor variant. On other transcripts: 3 prime UTR variant (1).
Genome position (GRCh38, 1-based): chr12:6,845,803, G>A. VCF-style: chr12-6845803-G-A. GRCh37 (hg19) VCF-style: chr12-6954967-G-A.
Other names: c.*985C>T (NM_001297603.3); c.913+1G>A (NM_001297571.2).
Identifiers: ClinVar variation 1502469 (VCV001502469.7), dbSNP rs782189035, ClinGen allele CA6417702.

ClinVar aggregate classification (germline): Uncertain significance (1 of 4 stars; one submission).

Allele frequency attached by ClinVar (database versions not stated): ExAC 0.00001.
gnomAD v4.1: 4 of 1,607,876 alleles (0.00025%); highest among the groups gnomAD compares: Admixed American, 0.0017%; no homozygotes.

Submissions (2):

Labcorp Genetics (formerly Invitae), Labcorp
Classification: Uncertain significance. Last evaluated: 2024-11-19. Review status: criteria provided, single submitter. Criteria: Invitae Variant Classification Sherloc (09022015). Collection method: clinical testing. Allele origin: germline.
Comment: This sequence change falls in intron 9 of the GNB3 gene. It does not directly change the encoded amino acid sequence of the GNB3 protein. It affects a nucleotide within the consensus splice site. This variant is present in population databases (rs782189035, gnomAD 0.003%). This variant has not been reported in the literature in individuals affected with GNB3-related conditions. ClinVar contains an entry for this variant (Variation ID: 1502469). Variants that disrupt the consensus splice site are a relatively common cause of aberrant splicing (PMID: 17576681, 9536098). Algorithms developed to predict the effect of sequence changes on RNA splicing suggest that this variant may disrupt the consensus splice site. In summary, the available evidence is currently insufficient to determine the role of this variant in disease. Therefore, it has been classified as a Variant of Uncertain Significance.

Dr. Peter K. Rogan Lab, Western University
No classification provided (evidence only). Condition: Papillary renal cell carcinoma type 1. Review status: no classification provided. Collection method: in vitro. Allele origin: not applicable. Functional consequence: retained intron. Not counted in ClinVar's aggregate classification.

Literature cited by the submitters: PubMed 17576681 (cited by Labcorp Genetics (formerly Invitae), Labcorp); PubMed 9536098 (cited by Labcorp Genetics (formerly Invitae), Labcorp).